The following is an entry in ClinVar:

NM_005918.4(MDH2):c.823T>C (p.Cys275Arg)

Gene: MDH2 (malate dehydrogenase 2; plus strand). Cytogenetic location: 7q11.23.
Variant type: single nucleotide variant.
Coding change: c.823T>C on transcript NM_005918.4 (MANE Select); coding-DNA position 823, T replaced by C.
Protein change: p.Cys275Arg; replaces cysteine 275 with arginine.
Molecular consequence: missense variant.
Genome position (GRCh38, 1-based): chr7:76,064,891, T>C. VCF-style: chr7-76064891-T-C. GRCh37 (hg19) VCF-style: chr7-75694209-T-C.
Other names: c.697T>C, p.Cys233Arg (NM_001282403.2); c.502T>C, p.Cys168Arg (NM_001282404.2); short protein forms C168R, C275R, C233R.
Identifiers: ClinVar variation 1762589 (VCV001762589.8), dbSNP rs1798053754, ClinGen allele CA367768520.

ClinVar aggregate classification (germline): Uncertain significance. Review status: criteria provided, multiple submitters, no conflicts (2 of 4 stars). 2 submissions from 2 submitters: Uncertain significance (2). Last evaluated 2024-04-22.

Conditions:
Inborn genetic diseases. Identifiers: MedGen C0950123, MeSH D030342.

Allele frequency attached by ClinVar (database versions not stated): gnomAD exomes below 0.00001; TOPMed below 0.00001.
gnomAD v4.1: 1 of 1,614,192 alleles (0.000062%); highest among the groups gnomAD compares: Non-Finnish European, 0.000085%; no homozygotes.

Submissions (2):

Ambry Genetics
Classification: Uncertain significance for Inborn genetic diseases. Last evaluated: 2024-04-22. Review status: criteria provided, single submitter. Criteria: Ambry Variant Classification Scheme 2023. Collection method: clinical testing. Allele origin: germline.
Comment: The p.C275R variant (also known as c.823T>C), located in coding exon 8 of the MDH2 gene, results from a T to C substitution at nucleotide position 823. The cysteine at codon 275 is replaced by arginine, an amino acid with highly dissimilar properties. This amino acid position is conserved. In addition, this alteration is predicted to be deleterious by in silico analysis. Since supporting evidence is limited at this time, the clinical significance of this alteration remains unclear.

Labcorp Genetics (formerly Invitae), Labcorp
Classification: Uncertain significance. Last evaluated: 2022-04-19. Review status: criteria provided, single submitter. Criteria: Invitae Variant Classification Sherloc (09022015). Collection method: clinical testing. Allele origin: germline.
Comment: In summary, the available evidence is currently insufficient to determine the role of this variant in disease. Therefore, it has been classified as a Variant of Uncertain Significance. Algorithms developed to predict the effect of missense changes on protein structure and function are either unavailable or do not agree on the potential impact of this missense change (SIFT: "Deleterious"; PolyPhen-2: "Probably Damaging"; Align-GVGD: "Class C15"). This variant has not been reported in the literature in individuals affected with MDH2-related conditions. This variant is not present in population databases (gnomAD no frequency). This sequence change replaces cysteine, which is neutral and slightly polar, with arginine, which is basic and polar, at codon 275 of the MDH2 protein (p.Cys275Arg).